The following is an entry in ClinVar:

ClinVar aggregate classification (germline): Pathogenic/Likely pathogenic. Review status: criteria provided, multiple submitters, no conflicts (2 of 4 stars). 14 submissions from 14 submitters: Pathogenic (10); Likely pathogenic (3). 1 of the submissions does not count toward it. Last evaluated 2026-04-16.

Conditions:
Weill-Marchesani syndrome 2, dominant. Also called: FBN1-Related Weill-Marchesani Syndrome; Weill-Marchesani Syndrome, Autosomal Dominant. Identifiers: Orphanet 2084, MedGen C1869115, MONDO:0012013, OMIM 608328.
Stiff skin syndrome (SSKS). Identifiers: Orphanet 2833, MedGen C1861456, MONDO:0008492, OMIM 184900.
Acromicric dysplasia (ACMICD). Also called: Acromicric skeletal dysplasia. Identifiers: Orphanet 969, MedGen C0265287, MONDO:0007055, OMIM 102370.
Geleophysic dysplasia 2 (GPHYSD2). Identifiers: Orphanet 2623, MedGen C3280054, MONDO:0013612, OMIM 614185.
Progeroid and marfanoid aspect-lipodystrophy syndrome. Also called: MARFANOID-PROGEROID SYNDROME; MARFAN-PROGEROID-LIPODYSTROPHY SYNDROME; Marfan lipodystrophy syndrome; MARFANOID-PROGEROID-LIPODYSTROPHY SYNDROME. Identifiers: Orphanet 300382, MedGen C4310796, MONDO:0014831, OMIM 616914.
Ectopia lentis 1, isolated, autosomal dominant (ECTOL1). Identifiers: Orphanet 1885, MedGen C3541518, MONDO:0007514, OMIM 129600.
Marfan syndrome (MFS). Also called: MARFAN SYNDROME, TYPE I; FBN1-Related Marfan Syndrome; Marfan syndrome, classic; Marfan syndrome type 1; Marfan's syndrome. Identifiers: Orphanet 284963, Orphanet 558, MedGen C0024796, MONDO:0007947, OMIM 154700.
MASS syndrome (OCTD). Also called: MASS PHENOTYPE; OVERLAP CONNECTIVE TISSUE DISEASE. Identifiers: MedGen C1858556, MONDO:0011431, OMIM 604308.
Thoracic aortic aneurysm or dissection.
Marfan Syndrome/Loeys-Dietz Syndrome/Familial Thoracic Aortic Aneurysms and Dissections. Identifiers: MedGen CN229799.
Familial thoracic aortic aneurysm and aortic dissection (TAAD). Also called: Thoracic aortic aneurysms and dissections. Identifiers: Orphanet 91387, MedGen C4707243, MONDO:0019625.
FBN1-related disorder. Also called: FBN1-related disorders.

Allele frequency attached by ClinVar (database versions not stated): TOPMed below 0.00001; gnomAD 0.00001; gnomAD exomes below 0.00001.
gnomAD v4.1: 2 of 1,613,510 alleles (0.00012%); highest among the groups gnomAD compares: Admixed American, 0.0017%; no homozygotes.

Submissions (14):

Ambry Genetics
Classification: Pathogenic for Familial thoracic aortic aneurysm and aortic dissection. Last evaluated: 2026-04-16. Review status: criteria provided, single submitter. Criteria: Ambry Variant Classification Scheme 2023. Collection method: clinical testing. Allele origin: germline.
Comment: The c.6806T>C (p.I2269T) alteration is located in exon 56 (coding exon 55) of the FBN1 gene. This alteration results from a T to C substitution at nucleotide position 6806, causing the isoleucine (I) at amino acid position 2269 to be replaced by a threonine (T). This variant was not reported in population-based cohorts in the Genome Aggregation Database (gnomAD). This variant was reported in individual(s) with features consistent with Marfan syndrome (MFS); in at least one individual, it was determined to be de novo (Liu, 1997; Katzke, 2002; Comeglio, 2007; Attanasio, 2008; S&ouml;ylen, 2009; Stheneur, 2009; Proost, 2015; Yang, 2016). This amino acid position is highly conserved in available vertebrate species. This alteration is predicted to be deleterious by in silico analysis. Based on the available evidence, this alteration is classified as pathogenic.

North West Genomic Laboratory Hub, Manchester University NHS Foundation Trust
Classification: Likely pathogenic for Thoracic aortic aneurysm or dissection. Last evaluated: 2025-08-19. Review status: criteria provided, single submitter. Criteria: ACGS Best Practice Guidelines for Variant Classification in Rare Disease 2024. Collection method: clinical testing. Allele origin: germline. Affected: yes.
Comment: PS4_Mod PP4_Supp PM6_Mod PP3_Supp PM2_Supp PP2_Supp

Labcorp Genetics (formerly Invitae), Labcorp
Classification: Pathogenic for Marfan syndrome; Familial thoracic aortic aneurysm and aortic dissection. Last evaluated: 2025-07-08. Review status: criteria provided, single submitter. Criteria: Invitae Variant Classification Sherloc (09022015). Collection method: clinical testing. Allele origin: germline.
Comment: This sequence change replaces isoleucine, which is neutral and non-polar, with threonine, which is neutral and polar, at codon 2269 of the FBN1 protein (p.Ile2269Thr). This variant is not present in population databases (gnomAD no frequency). This missense change has been observed in individual(s) with Marfan syndrome (PMID: 10464652, 12203992, 16342915, 18435798, 19159394, 19293843, 25907466, 27611364). ClinVar contains an entry for this variant (Variation ID: 36107). Invitae Evidence Modeling of protein sequence and biophysical properties (such as structural, functional, and spatial information, amino acid conservation, physicochemical variation, residue mobility, and thermodynamic stability) indicates that this missense variant is expected to disrupt FBN1 protein function with a positive predictive value of 95%. For these reasons, this variant has been classified as Pathogenic.

GeneDx
Classification: Pathogenic. Last evaluated: 2023-09-29. Review status: criteria provided, single submitter. Criteria: GeneDx Variant Classification Process June 2021. Collection method: clinical testing. Allele origin: germline. Affected: yes.
Comment: Not observed at significant frequency in large population cohorts (gnomAD); In silico analysis supports that this missense variant has a deleterious effect on protein structure/function; Although located in a calcium-binding EGF-like domain of the FBN1 gene, it does not affect a cysteine residue within this domain; cysteine substitutions in the calcium-binding EGF-like domains represent the majority of pathogenic missense changes associated with FBN1-related disorders (Collod-Beroud et al., 2003); This variant is associated with the following publications: (PMID: 10464652, 16342915, 24793577, 17657824, 25907466, 12938084, 18435798, 12203992, 19159394, 27611364, 35058154, 19293843, 31098894, 29848614)

Blueprint Genetics
Classification: Pathogenic for FBN1-related disorders. Last evaluated: 2022-12-21. Review status: criteria provided, single submitter. Criteria: ACMG Guidelines, 2015. Collection method: clinical testing. Allele origin: germline. Affected: yes. Observed: 4 variant alleles.

CeGaT Center for Human Genetics Tuebingen
Classification: Pathogenic. Last evaluated: 2021-09-01. Review status: criteria provided, single submitter. Criteria: CeGaT Center For Human Genetics Tuebingen Variant Classification Criteria Version 2. Collection method: clinical testing. Allele origin: germline. Affected: yes. Observed: 1 variant allele.

Centre of Medical Genetics, University of Antwerp
Classification: Likely pathogenic for Marfan syndrome. Last evaluated: 2021-03-01. Review status: criteria provided, single submitter. Criteria: Submitter's publication. Collection method: research. Allele origin: unknown. Affected: yes. Observed: 2 variant alleles.
Comment: PM2, PS1, PP4

ARUP Laboratories, Molecular Genetics and Genomics, ARUP Laboratories
Classification: Likely pathogenic. Last evaluated: 2018-05-04. Review status: criteria provided, single submitter. Criteria: ARUP Molecular Germline Variant Investigation Process. Collection method: clinical testing. Allele origin: germline.
Comment: The c.6806T>C; p.Ile2269Thr variant (rs193922228) has been reported in multiple individuals affected with Marfan syndrome or FBN1-related disorders (Attanasio 2008, Comeglio 2007, Katzke 2002, Liu 1997, Proost 2015, Soylen 2009, Stheneur 2009), and is classified as pathogenic/likely pathogenic in ClinVar (variant ID 36107). This variant is absent from the general population databases (1000 Genomes Project, Exome Variant Server, Genome Aggregation Database), indicating it is not a common polymorphism). The isoleucine at codon 2269 is a highly conserved residue located within the calcium-binding EGF-like domain. Based on the above information, this variant is likely to be pathogenic.

Fulgent Genetics
Classification: Pathogenic for Acromicric dysplasia; Ectopia lentis 1, isolated, autosomal dominant; Marfan syndrome; Stiff skin syndrome; MASS syndrome; Weill-Marchesani syndrome 2, dominant; Geleophysic dysplasia 2; Progeroid and marfanoid aspect-lipodystrophy syndrome. Last evaluated: 2017-05-18. Review status: criteria provided, single submitter. Criteria: ACMG Guidelines, 2015. Collection method: clinical testing. Allele origin: unknown.

Women's Health and Genetics/Laboratory Corporation of America, LabCorp
Classification: Pathogenic for Marfan Syndrome/Loeys-Dietz Syndrome/Familial Thoracic Aortic Aneurysms and Dissections. Last evaluated: 2017-03-01. Review status: criteria provided, single submitter. Criteria: LabCorp Variant Classification Summary - May 2015. Collection method: clinical testing. Allele origin: germline.
Comment: Variant summary: The FBN1 c.6806T>C (p.Ile2269Thr) variant involves the missense alteration of a conserved nucleotide. The variant falls within a highly conserved EGF-like calcium binding domain #35 and 4/4 in silico tools predict a damaging outcome for this variant (SNPs&GO not captured due to low reliability index). This variant is absent in the large control population ExAC (0/121388 control chromosomes). Multiple clinical diagnostic laboratories/reputable databases classified this variant as likely pathogenic or pathogenic, and numerous publications in the literature have reported the variant in affected individuals, including 2 cases where patients had the variant as a de novo mutational event. Taken together, this variant is classified as pathogenic.

Center for Human Genetics, Inc
Classification: Pathogenic for Marfan syndrome. Last evaluated: 2016-11-01. Review status: criteria provided, single submitter. Criteria: ACMG Guidelines, 2015. Collection method: clinical testing. Allele origin: germline. Affected: yes.

Laboratory for Molecular Medicine, Mass General Brigham Personalized Medicine
Classification: Pathogenic for Marfan syndrome. Last evaluated: 2016-01-26. Review status: criteria provided, single submitter. Criteria: LMM Criteria. Collection method: clinical testing. Allele origin: germline. Inheritance: Autosomal dominant inheritance. Observed: 1 variant allele.
Comment: The p.Ile2269Thr variant in FBN1 has been reported in 9 individuals with Marfan syndrome or features of Marfan syndrome, including 2 individuals in whom the var iant occurred de novo (Katzke 2002, Comeglio 2007, Attanasio 2008, Stheneur 2009 , Soylen 2009, Proost 2015, LMM unpublished data). This variant was absent from large population studies. Computational prediction tools and conservation analys is suggest that this variant may impact the protein. In summary, the p.Ile2269Th r variant meets our criteria to be classified as pathogenic for Marfan syndrome in an autosomal dominant manner based upon presence in affected individuals, abs ence from controls and de novo occurrences.

Clinical Genetics Service, Universitary Hospital 12 de Octubre
Classification: Pathogenic for Marfan syndrome. Review status: criteria provided, single submitter. Criteria: ACMG Guidelines, 2015. Collection method: clinical testing. Allele origin: de novo. Affected: yes.

Center for Medical Genetics Ghent, University of Ghent
Classification: Uncertain significance for Marfan syndrome. Last evaluated: 2017-11-07. Review status: no assertion criteria provided. Collection method: clinical testing. Allele origin: germline. Affected: yes. Not counted in ClinVar's aggregate classification.

Literature cited by the submitters: PubMed 10464652 (cited by 4 submitters); PubMed 12203992 (cited by 4 submitters); PubMed 17657824 (cited by 3 submitters); PubMed 18435798 (cited by 4 submitters); PubMed 19159394 (cited by 4 submitters); PubMed 19293843 (cited by 4 submitters); PubMed 25907466 (cited by 4 submitters); PubMed 27611364 (cited by 3 submitters); PubMed 16342915 (cited by Labcorp Genetics (formerly Invitae), Labcorp and Women's Health and Genetics/Laboratory Corporation of America, LabCorp); PubMed 24793577 (cited by Women's Health and Genetics/Laboratory Corporation of America, LabCorp); PubMed 12938084 (cited by Women's Health and Genetics/Laboratory Corporation of America, LabCorp and Laboratory for Molecular Medicine, Mass General Brigham Personalized Medicine).

NM_000138.5(FBN1):c.6806T>C (p.Ile2269Thr)

Gene: FBN1 (fibrillin 1; minus strand). Cytogenetic location: 15q21.1.
Variant type: single nucleotide variant.
Coding change: c.6806T>C on transcript NM_000138.5 (MANE Select); coding-DNA position 6806, T replaced by C.
Protein change: p.Ile2269Thr; replaces isoleucine 2269 with threonine.
Molecular consequence: missense variant.
Genome position (GRCh38, 1-based): chr15:48,430,736, A>G on the plus strand (T>C on the coding strand, the complement: FBN1 is on the minus strand). VCF-style: chr15-48430736-A-G. GRCh37 (hg19) VCF-style: chr15-48722933-A-G.
Other names: short protein forms I2269T.
Identifiers: ClinVar variation 36107 (VCV000036107.105), dbSNP rs193922228, ClinGen allele CA016742.